The following is an entry in ClinVar:

NM_000329.3(RPE65):c.95-1G>C

Gene: RPE65 (retinoid isomerohydrolase RPE65; minus strand). Cytogenetic location: 1p31.3.
Variant type: single nucleotide variant.
Coding change: c.95-1G>C on transcript NM_000329.3 (MANE Select); the canonical splice acceptor site of the intron before coding-DNA position 95, G replaced by C.
Molecular consequence: splice acceptor variant. On other transcripts: intron variant (1).
Genome position (GRCh38, 1-based): chr1:68,446,861, C>G on the plus strand (G>C on the coding strand, the complement: RPE65 is on the minus strand). VCF-style: chr1-68446861-C-G. GRCh37 (hg19) VCF-style: chr1-68912544-C-G.
Other names: c.-182-1G>C (NM_001406857.1); c.-32+1763G>C (NM_001406856.1); c.95-1G>C (NM_001406853.1, NM_001406859.1, NM_001406860.1).
Identifiers: ClinVar variation 2943079 (VCV002943079.3), dbSNP rs2523452435, ClinGen allele CA340749358.

ClinVar aggregate classification (germline): Pathogenic (1 of 4 stars; one submission).

Conditions:
Leber congenital amaurosis 2 (LCA2). Also called: AMAUROSIS CONGENITA OF LEBER II; Autosomal Recessive RPE65-Related Retinal Degeneration. Identifiers: Orphanet 65, MedGen C1859844, MONDO:0008765, OMIM 204100. Disease mechanism: loss of function.
Retinitis pigmentosa 20 (RP20). Identifiers: Orphanet 791, MedGen C3151086, MONDO:0013425, OMIM 613794.

Submission:

Labcorp Genetics (formerly Invitae), Labcorp
Classification: Pathogenic for Leber congenital amaurosis 2; Retinitis pigmentosa 20. Last evaluated: 2023-01-10. Review status: criteria provided, single submitter. Criteria: Invitae Variant Classification Sherloc (09022015). Collection method: clinical testing. Allele origin: germline.
Comment: For these reasons, this variant has been classified as Pathogenic. Algorithms developed to predict the effect of sequence changes on RNA splicing suggest that this variant may disrupt the consensus splice site. Disruption of this splice site has been observed in individuals with retinitis pigmentosa (PMID: 21151602, 23878505). It has also been observed to segregate with disease in related individuals. This variant is not present in population databases (gnomAD no frequency). This sequence change affects an acceptor splice site in intron 2 of the RPE65 gene. It is expected to disrupt RNA splicing. Variants that disrupt the donor or acceptor splice site typically lead to a loss of protein function (PMID: 16199547), and loss-of-function variants in RPE65 are known to be pathogenic (PMID: 9326941, 9501220, 9843205, 18632300).

Literature cited by the submitters: PubMed 21151602; PubMed 23878505; PubMed 16199547; PubMed 9326941; PubMed 9501220; PubMed 9843205; PubMed 18632300.